The following is an entry in ClinVar:

ClinVar aggregate classification (germline): Pathogenic (1 of 4 stars; one submission).

Submission:

Labcorp Genetics (formerly Invitae), Labcorp
Classification: Pathogenic. Last evaluated: 2025-07-22. Review status: criteria provided, single submitter. Criteria: Invitae Variant Classification Sherloc (09022015). Collection method: clinical testing. Allele origin: germline.
Comment: This sequence change creates a premature translational stop signal (p.Glu1541*) in the TUBGCP6 gene. It is expected to result in an absent or disrupted protein product. Loss-of-function variants in TUBGCP6 are known to be pathogenic (PMID: 25344692). This variant is not present in population databases (gnomAD no frequency). This variant has not been reported in the literature in individuals affected with TUBGCP6-related conditions. For these reasons, this variant has been classified as Pathogenic.

Literature cited by the submitters: PubMed 25344692.

NM_020461.4(TUBGCP6):c.4620dup (p.Glu1541Ter)

Gene: TUBGCP6 (tubulin gamma complex component 6; minus strand). Cytogenetic location: 22q13.33.
Variant type: Duplication.
Coding change: c.4620dup on transcript NM_020461.4 (MANE Select); coding-DNA position 4620, one base duplicated (T; older notation c.4620dupT).
Protein change: p.Glu1541Ter; replaces glutamic acid 1541 with a stop codon.
Molecular consequence: nonsense.
Genome position (GRCh38, 1-based): chr22:50,219,074, A duplicated on the plus strand (T on the coding strand, the reverse complement: TUBGCP6 is on the minus strand); the first of 3 consecutive A bases (chr22:50,219,074-50,219,076); duplicating any one gives the same sequence. VCF-style (leftmost placement, unchanged base first): chr22-50219073-C-CA. GRCh37 (hg19) VCF-style: chr22-50657502-C-CA.
Other names: short protein forms E1541*.
Identifiers: ClinVar variation 4770928 (VCV004770928.1).